The following is an entry in ClinVar:

NM_001283009.2(RTEL1):c.2678C>G (p.Thr893Arg)

Genes: RTEL1 (regulator of telomere elongation helicase 1; plus strand), RTEL1-TNFRSF6B (RTEL1-TNFRSF6B readthrough (NMD candidate); plus strand). Cytogenetic location: 20q13.33.
Variant type: single nucleotide variant.
Coding change: c.2678C>G on transcript NM_001283009.2 (MANE Select); coding-DNA position 2678, C replaced by G.
Protein change: p.Thr893Arg; replaces threonine 893 with arginine.
Molecular consequence: missense variant. On other transcripts: non-coding transcript variant (1).
Genome position (GRCh38, 1-based): chr20:63,692,830, C>G. VCF-style: chr20-63692830-C-G. GRCh37 (hg19) VCF-style: chr20-62324183-C-G.
Other names: c.2009C>G, p.Thr670Arg (NM_001283010.1); c.2678C>G, p.Thr893Arg (NM_016434.4); c.2750C>G, p.Thr917Arg (NM_032957.5); short protein forms T670R, T893R, T917R.
Identifiers: ClinVar variation 3948425 (VCV003948425.1).

ClinVar aggregate classification (germline): Uncertain significance (1 of 4 stars; one submission).

Conditions:
Inborn genetic diseases. Identifiers: MedGen C0950123, MeSH D030342.

Submission:

Ambry Genetics
Classification: Uncertain significance for Inborn genetic diseases. Last evaluated: 2025-05-26. Review status: criteria provided, single submitter. Criteria: Ambry Variant Classification Scheme 2023. Collection method: clinical testing. Allele origin: germline.
Comment: The p.T893R variant (also known as c.2678C>G), located in coding exon 28 of the RTEL1 gene, results from a C to G substitution at nucleotide position 2678. The threonine at codon 893 is replaced by arginine, an amino acid with similar properties. This amino acid position is conserved. In addition, this alteration is predicted to be tolerated by in silico analysis. Based on the available evidence, the clinical significance of this variant remains unclear.